The following is an entry in ClinVar:

NM_152468.5(TMC8):c.35C>T (p.Ala12Val)

Genes: TMC6 (transmembrane channel like 6; minus strand), TMC8 (transmembrane channel like 8; plus strand), LOC130061792 (ATAC-STARR-seq lymphoblastoid silent region 9043; plus strand). Cytogenetic location: 17q25.3.
Variant type: single nucleotide variant.
Coding change: c.35C>T on transcript NM_152468.5 (MANE Select); coding-DNA position 35, C replaced by T.
Protein change: p.Ala12Val; replaces alanine 12 with valine.
Molecular consequence: missense variant. On other transcripts: intron variant (1).
Genome position (GRCh38, 1-based): chr17:78,131,623, C>T. VCF-style: chr17-78131623-C-T. GRCh37 (hg19) VCF-style: chr17-76127704-C-T.
Other names: c.-75+718G>A (NM_007267.7); short protein forms A12V.
Identifiers: ClinVar variation 526242 (VCV000526242.8), dbSNP rs748499539, ClinGen allele CA8796324.

ClinVar aggregate classification (germline): Uncertain significance (1 of 4 stars; one submission).

Conditions:
Epidermodysplasia verruciformis. Identifiers: Orphanet 302, MedGen C0014522, MONDO:0009176.

Allele frequency attached by ClinVar (database versions not stated): TOPMed 0.00012; gnomAD 0.00005 and 0.00006; gnomAD exomes 0.00015; ExAC 0.00007.
gnomAD v4.1: 38 of 1,551,320 alleles (0.0024%); highest among the groups gnomAD compares: Admixed American, 0.06%; no homozygotes.

Submission:

Labcorp Genetics (formerly Invitae), Labcorp
Classification: Uncertain significance for Epidermodysplasia verruciformis. Last evaluated: 2023-11-24. Review status: criteria provided, single submitter. Criteria: Invitae Variant Classification Sherloc (09022015). Collection method: clinical testing. Allele origin: germline.
Comment: This sequence change replaces alanine, which is neutral and non-polar, with valine, which is neutral and non-polar, at codon 12 of the TMC8 protein (p.Ala12Val). This variant is present in population databases (rs748499539, gnomAD 0.09%). This variant has not been reported in the literature in individuals affected with TMC8-related conditions. ClinVar contains an entry for this variant (Variation ID: 526242). An algorithm developed to predict the effect of missense changes on protein structure and function (PolyPhen-2) suggests that this variant¬†is likely to be tolerated. In summary, the available evidence is currently insufficient to determine the role of this variant in disease. Therefore, it has been classified as a Variant of Uncertain Significance.